The following is an entry in ClinVar:

ClinVar aggregate classification (germline): Uncertain significance. Review status: criteria provided, multiple submitters, no conflicts (2 of 4 stars). 2 submissions from 2 submitters: Uncertain significance (2). Last evaluated 2025-06-25.

Conditions:
Cardiovascular phenotype. Identifiers: MedGen CN230736.
Hereditary cancer-predisposing syndrome. Also called: Hereditary neoplastic syndrome; Neoplastic Syndromes, Hereditary; Tumor predisposition; Hereditary Cancer Syndrome. Identifiers: Orphanet 140162, MedGen C0027672, MeSH D009386, MONDO:0015356.

Allele frequency attached by ClinVar (database versions not stated): gnomAD exomes below 0.00001.

Submissions (2):

Ambry Genetics
Classification: Uncertain significance for Cardiovascular phenotype; Hereditary cancer-predisposing syndrome. Last evaluated: 2025-06-25. Review status: criteria provided, single submitter. Criteria: Ambry Variant Classification Scheme 2023. Collection method: clinical testing. Allele origin: germline.
Comment: The p.L923I variant (also known as c.2767C>A), located in coding exon 21 of the NF1 gene, results from a C to A substitution at nucleotide position 2767. The leucine at codon 923 is replaced by isoleucine, an amino acid with highly similar properties. This amino acid position is highly conserved in available vertebrate species. In addition, the in silico prediction for this alteration is inconclusive. Based on the available evidence, the clinical significance of this variant remains unclear.

GeneDx
Classification: Uncertain significance. Last evaluated: 2018-03-12. Review status: criteria provided, single submitter. Criteria: GeneDx Variant Classification (06012015). Collection method: clinical testing. Allele origin: germline. Affected: yes.
Comment: This variant is denoted NF1 c.2767C>A at the cDNA level, p.Leu923Ile (L923I) at the protein level, and results in the change of a Leucine to an Isoleucine (CTA>ATA). This variant has not, to our knowledge, been published in the literature as pathogenic or benign. NF1 Leu923Ile was not observed in large population cohorts (Lek 2016). This variant is located in the GTPase activating protein domain (Xu 1990, Luo 2014). In silico analysis, which includes protein predictors and evolutionary conservation, supports that this variant does not alter protein structure/function. Based on currently available evidence, it is unclear whether NF1 Leu923Ile is a pathogenic or benign variant. We consider it to be a variant of uncertain significance.

NM_001042492.3(NF1):c.2767C>A (p.Leu923Ile)

Gene: NF1 (neurofibromin 1; plus strand). Cytogenetic location: 17q11.2.
Variant type: single nucleotide variant.
Coding change: c.2767C>A on transcript NM_001042492.3 (MANE Select); coding-DNA position 2767, C replaced by A.
Protein change: p.Leu923Ile; replaces leucine 923 with isoleucine.
Molecular consequence: missense variant.
Genome position (GRCh38, 1-based): chr17:31,229,382, C>A. VCF-style: chr17-31229382-C-A. GRCh37 (hg19) VCF-style: chr17-29556400-C-A.
Other names: c.2767C>A, p.Leu923Ile (NM_000267.4); short protein forms L923I.
Identifiers: ClinVar variation 561767 (VCV000561767.4), dbSNP rs1567849138, ClinGen allele CA398985468.